The following is an entry in ClinVar:

ClinVar aggregate classification (germline): Uncertain significance (1 of 4 stars; one submission).

gnomAD v4.1: 2 of 1,575,078 alleles (0.00013%); highest among the groups gnomAD compares: Admixed American, 0.0018%; no homozygotes.

Submission:

Dasa
Classification: Uncertain significance. Last evaluated: 2025-06-02. Review status: criteria provided, single submitter. Criteria: DASA Assertion Criteria. Collection method: clinical testing. Allele origin: germline.
Comment: NM_003991.4(EDNRB):c.1227G>A (p.Met409Ile) is a missense variant that results in the substitution of methionine with isoleucine. This variant is rare in population databases. Computational prediction algorithms are consistent with a benign effect. The currently available literature and clinical evidence are not sufficient to establish a definitive association between this variant and the reported condition. Therefore, this variant is classified as a variant of uncertain significance.

NM_001122659.3(EDNRB):c.*1674G>A

Genes: EDNRB (endothelin receptor type B; minus strand), EDNRB-AS1 (EDNRB antisense RNA 1; plus strand). Cytogenetic location: 13q22.3.
Variant type: single nucleotide variant.
Coding change: c.*1674G>A on transcript NM_001122659.3 (MANE Select); 1674 bases downstream of the stop codon, G replaced by A.
Molecular consequence: 3 prime UTR variant. On other transcripts: missense variant (1).
Genome position (GRCh38, 1-based): chr13:77,896,526, C>T on the plus strand (G>A on the coding strand, the complement: EDNRB is on the minus strand). VCF-style: chr13-77896526-C-T. GRCh37 (hg19) VCF-style: chr13-78470661-C-T.
Other names: c.*1674G>A (NM_000115.5, NM_001201397.2); c.1227G>A, p.Met409Ile (NM_003991.4); short protein forms M409I.
Identifiers: ClinVar variation 4882916 (VCV004882916.2).